The following is an entry in ClinVar:

ClinVar aggregate classification (germline): Uncertain significance. Review status: criteria provided, multiple submitters, no conflicts (2 of 4 stars). 2 submissions from 2 submitters: Uncertain significance (2). Last evaluated 2026-03-05.

Conditions:
Hypertrophic cardiomyopathy. Also called: HYPERTROPHIC MYOCARDIOPATHY. Identifiers: Orphanet 217569, MedGen C0007194, MeSH D002312, MONDO:0005045, HP:0001639.

Allele frequency attached by ClinVar (database versions not stated): gnomAD exomes below 0.00001.
gnomAD v4.1: 1 of 1,568,660 alleles (0.000064%); highest among the groups gnomAD compares: Non-Finnish European, 0.000087%; no homozygotes.

Submissions (2):

Women's Health and Genetics/Laboratory Corporation of America, LabCorp
Classification: Uncertain significance. Last evaluated: 2026-03-05. Review status: criteria provided, single submitter. Criteria: LabCorp Variant Classification Summary - May 2015. Collection method: clinical testing. Allele origin: germline.

Labcorp Genetics (formerly Invitae), Labcorp
Classification: Uncertain significance for Hypertrophic cardiomyopathy. Last evaluated: 2024-10-05. Review status: criteria provided, single submitter. Criteria: Invitae Variant Classification Sherloc (09022015). Collection method: clinical testing. Allele origin: germline.
Comment: This sequence change replaces arginine, which is basic and polar, with lysine, which is basic and polar, at codon 309 of the MYBPC3 protein (p.Arg309Lys). This variant also falls at the last nucleotide of exon 11, which is part of the consensus splice site for this exon. This variant is not present in population databases (gnomAD no frequency). This missense change has been observed in individual(s) with dilated cardiomyopathy (internal data). ClinVar contains an entry for this variant (Variation ID: 1957221). An algorithm developed to predict the effect of missense changes on protein structure and function (PolyPhen-2) suggests that this variant is likely to be tolerated. Variants that disrupt the consensus splice site are a relatively common cause of aberrant splicing (PMID: 17576681, 9536098). Algorithms developed to predict the effect of sequence changes on RNA splicing suggest that this variant may disrupt the consensus splice site. In summary, the available evidence is currently insufficient to determine the role of this variant in disease. Therefore, it has been classified as a Variant of Uncertain Significance.

Literature cited by the submitters: PubMed 17576681 (cited by Labcorp Genetics (formerly Invitae), Labcorp); PubMed 9536098 (cited by Labcorp Genetics (formerly Invitae), Labcorp).

NM_000256.3(MYBPC3):c.926G>A (p.Arg309Lys)

Gene: MYBPC3 (myosin binding protein C3; minus strand). Cytogenetic location: 11p11.2.
Variant type: single nucleotide variant.
Coding change: c.926G>A on transcript NM_000256.3 (MANE Select); coding-DNA position 926, G replaced by A.
Protein change: p.Arg309Lys; replaces arginine 309 with lysine.
Molecular consequence: missense variant.
Genome position (GRCh38, 1-based): chr11:47,346,627, C>T on the plus strand (G>A on the coding strand, the complement: MYBPC3 is on the minus strand). VCF-style: chr11-47346627-C-T. GRCh37 (hg19) VCF-style: chr11-47368178-C-T.
Other names: short protein forms R309K.
Identifiers: ClinVar variation 1957221 (VCV001957221.6), dbSNP rs2495772043, ClinGen allele CA380332857.
Genomic context (GRCh38, chr11:47,346,627, plus strand): 5'-TGGAGGGGCTCCTGGCAGAATTAGGGGTGATGAGGGTGCTGTGCTATGTTGGGCACTCAC[C>T]TCGGGGTCCGGAAACTGCTGCTCCAGGGGTGGGGGTGGGAGAAAGGGTAGGTGGCACATG-3'
Protein context (NP_000247.2, residues 299-319): LKKRDSFRTP[Arg309Lys]DSKLEAPAEE